The following is an entry in ClinVar:

NM_001034853.2(RPGR):c.1754-214_1801del

Gene: RPGR (retinitis pigmentosa GTPase regulator; minus strand). Cytogenetic location: Xp11.4.
Variant type: Deletion.
Coding change: c.1754-214_1801del on transcript NM_001034853.2 (MANE Select); 214 bases into the intron before coding-DNA position 1754 through coding-DNA position 1801, 262 bases deleted.
Molecular consequence: splice acceptor variant. On other transcripts: intron variant (5).
Genome position (GRCh38, 1-based): chrX:38,287,198-38,287,459, 262 bases deleted. GRCh37 (hg19): chrX:38,146,457-38,146,718.
Other names: c.1569+3500_1569+3761del (NM_001367249.1, NM_001367250.1); c.1751-214_1798del (NM_001367245.1); c.1386+3500_1386+3761del (NM_001367251.1); c.1568-214_1615del (NM_001367246.1); c.1572+3500_1572+3761del (NM_001367247.1); c.1754-214_1801del (NM_000328.3); c.1602+3500_1602+3761del (NM_001367248.1).
Identifiers: ClinVar variation 2811848 (VCV002811848.3), dbSNP rs2519795270, ClinGen allele CA2739273396.

ClinVar aggregate classification (germline): Likely pathogenic (1 of 4 stars; one submission).

Conditions:
Primary ciliary dyskinesia. Also called: Ciliary dyskinesia. Identifiers: Orphanet 244, MedGen C0008780, MONDO:0016575, HP:0012265.

Submission:

Labcorp Genetics (formerly Invitae), Labcorp
Classification: Likely pathogenic for Primary ciliary dyskinesia. Last evaluated: 2022-11-03. Review status: criteria provided, single submitter. Criteria: Invitae Variant Classification Sherloc (09022015). Collection method: clinical testing. Allele origin: germline.
Comment: This variant results in the deletion of part of exon 15 (c.1754-214_1801del) of the RPGR gene. It is expected to disrupt RNA splicing. Variants that disrupt the donor or acceptor splice site typically lead to a loss of protein function (PMID: 16199547), and loss-of-function variants in RPGR are known to be pathogenic (PMID: 16055928, 16969763). This variant is not present in population databases (gnomAD no frequency). This variant has not been reported in the literature in individuals affected with RPGR-related conditions. Algorithms developed to predict the effect of sequence changes on RNA splicing suggest that this variant may disrupt the consensus splice site. In summary, the currently available evidence indicates that the variant is pathogenic, but additional data are needed to prove that conclusively. Therefore, this variant has been classified as Likely Pathogenic.

Literature cited by the submitters: PubMed 16199547; PubMed 16055928; PubMed 16969763.